The following is an entry in ClinVar:

ClinVar aggregate classification (germline): Uncertain significance. Review status: criteria provided, multiple submitters, no conflicts (2 of 4 stars). 3 submissions from 3 submitters: Uncertain significance (3). Last evaluated 2026-08-28.

Conditions:
GAMT-related disorder. Also called: GAMT-related condition.
Cerebral creatine deficiency syndrome. Also called: Creatine deficiency syndromes. Identifiers: Orphanet 79172, MedGen C5244016, MONDO:0000456.
Deficiency of guanidinoacetate methyltransferase (CCDS2). Also called: GAMT DEFICIENCY; Guanidinoacetate Methyltransferase (GAMT) Deficiency; CEREBRAL CREATINE DEFICIENCY SYNDROME 2. Identifiers: Orphanet 382, MedGen C0574080, MONDO:0012999, OMIM 612736.

Allele frequency attached by ClinVar (database versions not stated): TOPMed 0.00002; ExAC 0.00004; gnomAD 0.00002.
gnomAD v4.1: 30 of 1,613,378 alleles (0.0019%); highest among the groups gnomAD compares: South Asian, 0.0044%; no homozygotes.

Submissions (3):

PreventionGenetics, part of Exact Sciences
Classification: Uncertain significance for GAMT-related condition. Last evaluated: 2026-08-28. Review status: criteria provided, single submitter. Criteria: ACMG Guidelines, 2015. Collection method: clinical testing. Allele origin: germline.
Comment: The GAMT c.515C>T variant is predicted to result in the amino acid substitution p.Thr172Ile. To our knowledge, this variant has not been reported in the literature. This variant is reported in 0.0065% of alleles in individuals of South Asian descent in gnomAD. At this time, the clinical significance of this variant is uncertain due to the absence of conclusive functional and genetic evidence.

Genomic Medicine Center of Excellence, King Faisal Specialist Hospital and Research Centre
Classification: Uncertain significance for Deficiency of guanidinoacetate methyltransferase. Last evaluated: 2024-09-22. Review status: criteria provided, single submitter. Criteria: ACMG Guidelines, 2015. Collection method: clinical testing. Allele origin: germline.

Labcorp Genetics (formerly Invitae), Labcorp
Classification: Uncertain significance for Cerebral creatine deficiency syndrome. Last evaluated: 2021-08-30. Review status: criteria provided, single submitter. Criteria: Invitae Variant Classification Sherloc (09022015). Collection method: clinical testing. Allele origin: germline.
Comment: This sequence change replaces threonine with isoleucine at codon 172 of the GAMT protein (p.Thr172Ile). The threonine residue is highly conserved and there is a moderate physicochemical difference between threonine and isoleucine. This variant is present in population databases (rs781255275, ExAC 0.01%). This variant has not been reported in the literature in individuals affected with GAMT-related conditions. Algorithms developed to predict the effect of missense changes on protein structure and function are either unavailable or do not agree on the potential impact of this missense change (SIFT: "Deleterious"; PolyPhen-2: "Possibly Damaging"; Align-GVGD: "Class C0"). In summary, the available evidence is currently insufficient to determine the role of this variant in disease. Therefore, it has been classified as a Variant of Uncertain Significance.

NM_000156.6(GAMT):c.515C>T (p.Thr172Ile)

Gene: GAMT (guanidinoacetate N-methyltransferase; minus strand). Cytogenetic location: 19p13.3.
Variant type: single nucleotide variant.
Coding change: c.515C>T on transcript NM_000156.6 (MANE Select); coding-DNA position 515, C replaced by T.
Protein change: p.Thr172Ile; replaces threonine 172 with isoleucine.
Molecular consequence: missense variant.
Genome position (GRCh38, 1-based): chr19:1,398,971, G>A on the plus strand (C>T on the coding strand, the complement: GAMT is on the minus strand). VCF-style: chr19-1398971-G-A. GRCh37 (hg19) VCF-style: chr19-1398970-G-A.
Other names: c.515C>T, p.Thr172Ile (NM_138924.3); c.515C>T (NM_000156.5); short protein forms T172I.
Identifiers: ClinVar variation 2055898 (VCV002055898.3), dbSNP rs781255275, ClinGen allele CA9043620.